The following is an entry in ClinVar:

NM_018979.4(WNK1):c.3292A>G (p.Thr1098Ala)

Gene: WNK1 (WNK lysine deficient protein kinase 1; plus strand). Cytogenetic location: 12p13.33.
Variant type: single nucleotide variant.
Coding change: c.3292A>G on transcript NM_018979.4 (MANE Select); coding-DNA position 3292, A replaced by G.
Protein change: p.Thr1098Ala; replaces threonine 1098 with alanine.
Molecular consequence: missense variant.
Genome position (GRCh38, 1-based): chr12:881,993, A>G. VCF-style: chr12-881993-A-G. GRCh37 (hg19) VCF-style: chr12-991159-A-G.
Other names: c.4072A>G, p.Thr1358Ala (NM_001184985.2); c.2551A>G, p.Thr851Ala (NM_014823.3); c.4048A>G, p.Thr1350Ala (NM_213655.5); c.4048A>G (NM_213655.4); short protein forms T1098A, T1350A, T1358A, T851A.
Identifiers: ClinVar variation 1077890 (VCV001077890.10), dbSNP rs138216561, ClinGen allele CA6382732.

ClinVar aggregate classification (germline): Conflicting classifications of pathogenicity. Review status: criteria provided, conflicting classifications (1 of 4 stars). 2 submissions from 2 submitters: Uncertain significance (1); Likely benign (1). Last evaluated 2025-12-21.

Conditions:
Neuropathy, hereditary sensory and autonomic, type 2A (HSAN2A). Also called: MORVAN DISEASE; NEUROPATHY, CONGENITAL SENSORY; NEUROPATHY, HEREDITARY SENSORY RADICULAR, AUTOSOMAL RECESSIVE; NEUROPATHY, HEREDITARY SENSORY, TYPE IIA; NEUROPATHY, PROGRESSIVE SENSORY, OF CHILDREN; WNK1-Related HSAN2 (HSAN2A). Identifiers: Orphanet 970, MedGen C2752089, MONDO:0024309, OMIM 201300.
Pseudohypoaldosteronism type 2C (PHA2C). Also called: Pseudohypoaldosteronism Type IIC. Identifiers: Orphanet 757, Orphanet 88940, MedGen C1840391, MONDO:0013778, OMIM 614492.

Allele frequency attached by ClinVar (database versions not stated): gnomAD exomes 0.00003 and 0.00010; ExAC 0.00011; gnomAD 0.00024 and 0.00026; TOPMed 0.00030; ESP Exome Variant Server 0.00031.
gnomAD v4.1: 82 of 1,614,132 alleles (0.0051%); highest among the groups gnomAD compares: African/African-American, 0.096%; no homozygotes.

Submissions (2):

Labcorp Genetics (formerly Invitae), Labcorp
Classification: Likely benign for Neuropathy, hereditary sensory and autonomic, type 2A; Pseudohypoaldosteronism type 2C. Last evaluated: 2025-12-21. Review status: criteria provided, single submitter. Criteria: Invitae Variant Classification Sherloc (09022015). Collection method: clinical testing. Allele origin: germline.

GeneDx
Classification: Uncertain significance. Last evaluated: 2023-11-17. Review status: criteria provided, single submitter. Criteria: GeneDx Variant Classification Process June 2021. Collection method: clinical testing. Allele origin: germline. Affected: yes.
Comment: In silico analysis supports that this missense variant does not alter protein structure/function; Has not been previously published as pathogenic or benign to our knowledge